The following is an entry in ClinVar:

NM_020699.4(GATAD2B):c.373A>G (p.Ile125Val)

Gene: GATAD2B (GATA zinc finger domain containing 2B; minus strand). Cytogenetic location: 1q21.3.
Variant type: single nucleotide variant.
Coding change: c.373A>G on transcript NM_020699.4 (MANE Select); coding-DNA position 373, A replaced by G.
Protein change: p.Ile125Val; replaces isoleucine 125 with valine.
Molecular consequence: missense variant.
Genome position (GRCh38, 1-based): chr1:153,819,698, T>C on the plus strand (A>G on the coding strand, the complement: GATAD2B is on the minus strand). VCF-style: chr1-153819698-T-C. GRCh37 (hg19) VCF-style: chr1-153792174-T-C.
Other names: short protein forms I125V.
Identifiers: ClinVar variation 3642856 (VCV003642856.2).

ClinVar aggregate classification (germline): Uncertain significance (1 of 4 stars; one submission).

gnomAD v4.1: 1 of 1,611,508 alleles (0.000062%); highest among the groups gnomAD compares: African/African-American, 0.0013%; no homozygotes.

Submission:

Labcorp Genetics (formerly Invitae), Labcorp
Classification: Uncertain significance. Last evaluated: 2024-02-23. Review status: criteria provided, single submitter. Criteria: Invitae Variant Classification Sherloc (09022015). Collection method: clinical testing. Allele origin: germline.
Comment: This sequence change replaces isoleucine, which is neutral and non-polar, with valine, which is neutral and non-polar, at codon 125 of the GATAD2B protein (p.Ile125Val). This variant is not present in population databases (gnomAD no frequency). This variant has not been reported in the literature in individuals affected with GATAD2B-related conditions. Advanced modeling of protein sequence and biophysical properties (such as structural, functional, and spatial information, amino acid conservation, physicochemical variation, residue mobility, and thermodynamic stability) performed at Invitae indicates that this missense variant is not expected to disrupt GATAD2B protein function with a negative predictive value of 80%. In summary, the available evidence is currently insufficient to determine the role of this variant in disease. Therefore, it has been classified as a Variant of Uncertain Significance.